The following is an entry in ClinVar:

ClinVar aggregate classification (germline): Uncertain significance (1 of 4 stars; one submission).

gnomAD v4.1: 88 of 1,613,940 alleles (0.0055%); highest among the groups gnomAD compares: Non-Finnish European, 0.0071%; no homozygotes.

Submission:

GeneDx
Classification: Uncertain significance. Last evaluated: 2026-04-14. Review status: criteria provided, single submitter. Criteria: GeneDx Variant Classification Process June 2021. Collection method: clinical testing. Allele origin: germline.
Comment: In silico analysis supports that this missense variant has a deleterious effect on protein structure/function; Has not been previously published as pathogenic or benign to our knowledge

NM_152327.5(AK7):c.761A>G (p.His254Arg)

Gene: AK7 (adenylate kinase 7; plus strand). Cytogenetic location: 14q32.2.
Variant type: single nucleotide variant.
Coding change: c.761A>G on transcript NM_152327.5 (MANE Select); coding-DNA position 761, A replaced by G.
Protein change: p.His254Arg; replaces histidine 254 with arginine.
Molecular consequence: missense variant.
Genome position (GRCh38, 1-based): chr14:96,442,800, A>G. VCF-style: chr14-96442800-A-G. GRCh37 (hg19) VCF-style: chr14-96909137-A-G.
Other names: c.761A>G, p.His254Arg (NM_001350888.2, NM_001350890.2, NM_001350891.2 and 1 more transcripts); short protein forms H254R.
Identifiers: ClinVar variation 5037049 (VCV005037049.1).